The following is an entry in ClinVar:

ClinVar aggregate classification (germline): Likely benign. Review status: criteria provided, multiple submitters, no conflicts (2 of 4 stars). 2 submissions from 2 submitters: Likely benign (2). Last evaluated 2024-08-01.

Conditions:
Developmental and epileptic encephalopathy, 42 (DEE42A). Also called: Epileptic encephalopathy, early infantile, 42; DEVELOPMENTAL AND EPILEPTIC ENCEPHALOPATHY 42A; EPILEPTIC ENCEPHALOPATHY, EARLY INFANTILE, 42A. Identifiers: MedGen C4310716, MONDO:0014917, OMIM 617106.
Episodic ataxia type 2 (EA2). Also called: ATAXIA, EPISODIC, WITH NYSTAGMUS; ATAXIA, FAMILIAL PAROXYSMAL; CEREBELLAR ATAXIA, PAROXYSMAL, ACETAZOLAMIDE-RESPONSIVE; CEREBELLOPATHY, HEREDITARY PAROXYSMAL; EPISODIC ATAXIA, NYSTAGMUS-ASSOCIATED; ACETAZOLAMIDE-RESPONSIVE HEREDITARY PAROXYSMAL CEREBELLAR ATAXIA. Identifiers: Orphanet 97, MedGen C1720416, MONDO:0007163, OMIM 108500.

gnomAD v4.1: 8 of 1,611,036 alleles (0.0005%); highest among the groups gnomAD compares: African/African-American, 0.0027%; no homozygotes.

Submissions (2):

CeGaT Center for Human Genetics Tuebingen
Classification: Likely benign. Last evaluated: 2024-08-01. Review status: criteria provided, single submitter. Criteria: CeGaT Center For Human Genetics Tuebingen Variant Classification Criteria Version 2. Collection method: clinical testing. Allele origin: germline. Affected: yes. Observed: 1 variant allele.
Comment: CACNA1A: BP4, BP7

Labcorp Genetics (formerly Invitae), Labcorp
Classification: Likely benign for Developmental and epileptic encephalopathy, 42; Episodic ataxia type 2. Last evaluated: 2024-05-09. Review status: criteria provided, single submitter. Criteria: Invitae Variant Classification Sherloc (09022015). Collection method: clinical testing. Allele origin: germline.

NM_001127222.2(CACNA1A):c.4269C>T (p.Tyr1423=)

Gene: CACNA1A (calcium voltage-gated channel subunit alpha1 A; minus strand). Cytogenetic location: 19p13.13.
Variant type: single nucleotide variant.
Coding change: c.4269C>T on transcript NM_001127222.2 (MANE Select); coding-DNA position 4269, C replaced by T.
Protein change: p.Tyr1423=; no amino-acid change (tyrosine 1423 retained).
Molecular consequence: synonymous variant.
Genome position (GRCh38, 1-based): chr19:13,259,683, G>A on the plus strand (C>T on the coding strand, the complement: CACNA1A is on the minus strand). VCF-style: chr19-13259683-G-A. GRCh37 (hg19) VCF-style: chr19-13370497-G-A.
Other names: c.4281C>T, p.Tyr1427= (NM_000068.4, NM_023035.3); c.4272C>T, p.Tyr1424= (NM_001127221.2, NM_001174080.2).
Identifiers: ClinVar variation 3341959 (VCV003341959.18).